The following is an entry in ClinVar:

ClinVar aggregate classification (germline): Likely benign (0 of 4 stars; one submission).

Conditions:
SETX-related disorder. Also called: SETX-related condition; SETX-related disorders. Identifiers: MedGen CN239403.

gnomAD v4.1: 5 of 1,613,894 alleles (0.00031%); highest among the groups gnomAD compares: Non-Finnish European, 0.00042%; no homozygotes.

Submission:

PreventionGenetics, part of Exact Sciences
Classification: Likely benign for SETX-related condition. Last evaluated: 2023-04-13. Review status: no assertion criteria provided. Collection method: clinical testing. Allele origin: germline.
Comment: This variant is classified as likely benign based on ACMG/AMP sequence variant interpretation guidelines (Richards et al. 2015 PMID: 25741868, with internal and published modifications).

NM_015046.7(SETX):c.3924T>C (p.Ala1308=)

Gene: SETX (senataxin; minus strand). Cytogenetic location: 9q34.13.
Variant type: single nucleotide variant.
Coding change: c.3924T>C on transcript NM_015046.7 (MANE Select); coding-DNA position 3924, T replaced by C.
Protein change: p.Ala1308=; no amino-acid change (alanine 1308 retained).
Molecular consequence: synonymous variant.
Genome position (GRCh38, 1-based): chr9:132,327,674, A>G on the plus strand (T>C on the coding strand, the complement: SETX is on the minus strand). VCF-style: chr9-132327674-A-G. GRCh37 (hg19) VCF-style: chr9-135203061-A-G.
Other names: c.3924T>C, p.Ala1308= (NM_001351527.2, NM_001351528.2).
Identifiers: ClinVar variation 3356649 (VCV003356649.1).